The following is an entry in ClinVar:

ClinVar aggregate classification (germline): Pathogenic. Review status: reviewed by expert panel (3 of 4 stars). 2 submissions from 2 submitters: Pathogenic (1). 1 of the submissions does not count toward it. Last evaluated 2024-07-23.

Conditions:
Global developmental delay (DD). Also called: Cognitive delay. Identifiers: MedGen C0557874, HP:0001263. Disease mechanism: loss of function.
Rod-cone dystrophy. Identifiers: MedGen C4551714, HP:0000510.
Nystagmus. Identifiers: MedGen C0028738, MONDO:0004843, HP:0000639.
Autism (AUTS). Also called: Autistic disorder of childhood onset; Autistic disorder. Identifiers: MedGen C0004352, MeSH D001321, MONDO:0005260, OMIM 209850, HP:0000717.
Retinal dystrophy. Also called: Inherited retinal dystrophy. Identifiers: Orphanet 71862, MedGen C0854723, MeSH D058499, MONDO:0019118, HP:0000556.
RPE65-related recessive retinopathy. Also called: Recessive RPE65 retinopathy. Identifiers: MedGen CN305526, MONDO:0100368.

Submissions (2):

ClinGen Leber Congenital Amaurosis/early Onset Retinal Dystrophy Variant Curation Expert Panel, ClinGen
Classification: Pathogenic for RPE65-related recessive retinopathy. Last evaluated: 2024-07-23. Review status: reviewed by expert panel. Criteria: ClinGen LCAeoRD ACMG Specifications RPE65 V1.0.0. Collection method: curation. Allele origin: germline. Inheritance: Autosomal recessive inheritance.
Comment: NM_000329.3(RPE65):c.1084C>T (p.Gln362Ter) is a nonsense variant that introduces a premature stop codon into exon 10 of 14, and is predicted to lead to nonsense-mediated decay in a gene in which loss-of-function is an established mechanism of disease (PVS1). This variant is absent from gnomAD v2.1.1 (PM2_Supporting). This variant has been reported in at least 1 proband with early-onset severe retinal dystrophy who was homozygous for the variant (0.5 points, PMID: 32581362, PM3_Supporting). In summary, this variant meets the criteria to be classified as likely pathogenic for RPE65-related recessive retinopathy based on the ACMG/AMP criteria applied, as specified by the ClinGen LCA / eoRD VCEP: PVS1, PM2_Supporting, and PM3_Supporting. (VCEP specifications version 1.0.0; date of approval 09/21/2023).

NIHR Bioresource Rare Diseases, University of Cambridge
Classification: Pathogenic for Global developmental delay; Autism; Rod-cone dystrophy; Nystagmus; Retinal dystrophy. Review status: no assertion criteria provided. Collection method: research. Allele origin: unknown. Affected: yes. Observed: 1 variant allele. Not counted in ClinVar's aggregate classification.

Literature cited by the submitters: PubMed 32581362 (cited by NIHR Bioresource Rare Diseases, University of Cambridge).

NM_000329.3(RPE65):c.1084C>T (p.Gln362Ter)

Gene: RPE65 (retinoid isomerohydrolase RPE65; minus strand). Cytogenetic location: 1p31.3.
Variant type: single nucleotide variant.
Coding change: c.1084C>T on transcript NM_000329.3 (MANE Select); coding-DNA position 1084, C replaced by T.
Protein change: p.Gln362Ter; replaces glutamine 362 with a stop codon.
Molecular consequence: nonsense.
Genome position (GRCh38, 1-based): chr1:68,438,231, G>A on the plus strand (C>T on the coding strand, the complement: RPE65 is on the minus strand). VCF-style: chr1-68438231-G-A. GRCh37 (hg19) VCF-style: chr1-68903914-G-A.
Other names: NM_000329.3(RPE65):c.1084C>T; p.Gln362Ter; short protein forms Q362*.
Identifiers: ClinVar variation 812758 (VCV000812758.3), dbSNP rs1571164333, ClinGen allele CA340744135.
Genomic context (GRCh38, chr1:68,438,231, plus strand): 5'-CAGAGAAGCAGGTTACCTTGTCAATATTCAAAGGAAGTACATATCTCCTAACTTCAGGTT[G>A]GGGAGCCTTTCTGGCATTTTTTTTCACCTCTTCCCAGTTCTCACGTAAATTGGCTAAATA-3'